The following is an entry in ClinVar:

NM_000059.4(BRCA2):c.9415T>A (p.Phe3139Ile)

Gene: BRCA2 (BRCA2 DNA repair associated; plus strand). Cytogenetic location: 13q13.1.
Variant type: single nucleotide variant.
Coding change: c.9415T>A on transcript NM_000059.4 (MANE Select); coding-DNA position 9415, T replaced by A.
Protein change: p.Phe3139Ile; replaces phenylalanine 3139 with isoleucine.
Molecular consequence: missense variant.
Genome position (GRCh38, 1-based): chr13:32,394,847, T>A. VCF-style: chr13-32394847-T-A. GRCh37 (hg19) VCF-style: chr13-32968984-T-A.
Other names: short protein forms F3139I.
Identifiers: ClinVar variation 1374821 (VCV001374821.8), dbSNP rs2073024011, ClinGen allele CA387761438.

ClinVar aggregate classification (germline): Uncertain significance (1 of 4 stars; one submission).

Conditions:
Hereditary breast ovarian cancer syndrome. Also called: Hereditary breast and ovarian cancer; Hereditary breast and/or ovarian cancer syndrome; Hereditary breast and ovarian cancer syndrome; Hereditary breast and ovarian cancer syndrome (HBOC); Breast and ovarian cancer; BRCA1- and BRCA2-Associated Hereditary Breast and Ovarian Cancer. Identifiers: Orphanet 145, MedGen C0677776, MeSH D061325, MONDO:0003582. Disease mechanism: loss of function.

Submission:

Labcorp Genetics (formerly Invitae), Labcorp
Classification: Uncertain significance for Hereditary breast ovarian cancer syndrome. Last evaluated: 2021-02-21. Review status: criteria provided, single submitter. Criteria: Invitae Variant Classification Sherloc (09022015). Collection method: clinical testing. Allele origin: germline.
Comment: In summary, the available evidence is currently insufficient to determine the role of this variant in disease. Therefore, it has been classified as a Variant of Uncertain Significance. Advanced modeling of protein sequence and biophysical properties (such as structural, functional, and spatial information, amino acid conservation, physicochemical variation, residue mobility, and thermodynamic stability) performed at Invitae indicates that this missense variant is not expected to disrupt BRCA2 protein function. This variant has not been reported in the literature in individuals with BRCA2-related conditions. This variant is not present in population databases (ExAC no frequency). This sequence change replaces phenylalanine with isoleucine at codon 3139 of the BRCA2 protein (p.Phe3139Ile). The phenylalanine residue is moderately conserved and there is a small physicochemical difference between phenylalanine and isoleucine.